The following is an entry in ClinVar:

ClinVar aggregate classification (germline): Uncertain significance (1 of 4 stars; one submission).

Conditions:
Cardiovascular phenotype. Identifiers: MedGen CN230736.

Allele frequency attached by ClinVar (database versions not stated): gnomAD exomes below 0.00001.

Submission:

Ambry Genetics
Classification: Uncertain significance for Cardiovascular phenotype. Last evaluated: 2023-07-15. Review status: criteria provided, single submitter. Criteria: Ambry Variant Classification Scheme 2023. Collection method: clinical testing. Allele origin: germline.
Comment: The p.V24M variant (also known as c.70G>A), located in coding exon 2 of the TRDN gene, results from a G to A substitution at nucleotide position 70. The valine at codon 24 is replaced by methionine, an amino acid with highly similar properties. This amino acid position is conserved. In addition, this alteration is predicted to be tolerated by in silico analysis. Since supporting evidence is limited at this time, the clinical significance of this alteration remains unclear.

NM_006073.4(TRDN):c.70G>A (p.Val24Met)

Gene: TRDN (triadin; minus strand). Cytogenetic location: 6q22.31.
Variant type: single nucleotide variant.
Coding change: c.70G>A on transcript NM_006073.4 (MANE Select); coding-DNA position 70, G replaced by A.
Protein change: p.Val24Met; replaces valine 24 with methionine.
Molecular consequence: missense variant.
Genome position (GRCh38, 1-based): chr6:123,571,085, C>T on the plus strand (G>A on the coding strand, the complement: TRDN is on the minus strand). VCF-style: chr6-123571085-C-T. GRCh37 (hg19) VCF-style: chr6-123892230-C-T.
Other names: c.70G>A, p.Val24Met (NM_001251987.2, NM_001256020.2, NM_001256021.2 and 2 more transcripts); short protein forms V24M.
Identifiers: ClinVar variation 2620752 (VCV002620752.2), dbSNP rs2534610345, ClinGen allele CA365569345.